The following is an entry in ClinVar:

NM_006648.4(WNK2):c.4819G>A (p.Val1607Met)

Gene: WNK2 (WNK lysine deficient protein kinase 2; plus strand). Cytogenetic location: 9q22.31.
Variant type: single nucleotide variant.
Coding change: c.4819G>A on transcript NM_006648.4 (MANE Select); coding-DNA position 4819, G replaced by A.
Protein change: p.Val1607Met; replaces valine 1607 with methionine.
Molecular consequence: missense variant.
Genome position (GRCh38, 1-based): chr9:93,289,573, G>A. VCF-style: chr9-93289573-G-A. GRCh37 (hg19) VCF-style: chr9-96051855-G-A.
Other names: c.4930G>A, p.Val1644Met (NM_001282394.3); short protein forms V1644M, V1607M.
Identifiers: ClinVar variation 3982069 (VCV003982069.1).

ClinVar aggregate classification (germline): Uncertain significance (1 of 4 stars; one submission).

gnomAD v4.1: 1 of 1,530,030 alleles (0.000065%); highest among the groups gnomAD compares: Non-Finnish European, 0.000088%; no homozygotes.

Submission:

Ambry Genetics
Classification: Uncertain significance. Last evaluated: 2025-05-18. Review status: criteria provided, single submitter. Criteria: Ambry Variant Classification Scheme 2023. Collection method: clinical testing. Allele origin: germline.
Comment: The p.V1607M variant (also known as c.4819G>A), located in coding exon 19 of the WNK2 gene, results from a G to A substitution at nucleotide position 4819. The valine at codon 1607 is replaced by methionine, an amino acid with highly similar properties. This amino acid position is conserved. In addition, this alteration is predicted to be tolerated by in silico analysis. Based on the available evidence, the clinical significance of this variant remains unclear.